The following is an entry in ClinVar:

NM_006892.4(DNMT3B):c.14C>G (p.Thr5Ser)

Gene: DNMT3B (DNA methyltransferase 3 beta; plus strand). Cytogenetic location: 20q11.21.
Variant type: single nucleotide variant.
Coding change: c.14C>G on transcript NM_006892.4 (MANE Select); coding-DNA position 14, C replaced by G.
Protein change: p.Thr5Ser; replaces threonine 5 with serine.
Molecular consequence: missense variant.
Genome position (GRCh38, 1-based): chr20:32,780,337, C>G. VCF-style: chr20-32780337-C-G. GRCh37 (hg19) VCF-style: chr20-31368143-C-G.
Other names: c.14C>G (NM_006892.3); c.14C>G, p.Thr5Ser (NM_001207055.2, NM_001207056.2, NM_175848.2 and 1 more transcripts); c.50C>G, p.Thr17Ser (NM_175850.3); short protein forms T5S, T17S.
Identifiers: ClinVar variation 1043568 (VCV001043568.7), dbSNP rs201455430, ClinGen allele CA9810000.
Genomic context (GRCh38, chr20:32,780,337, plus strand): 5'-CTGCTTCCCTTTCACCCCACCCATTCTGGCTTCTCCCACAGGAAAGCATGAAGGGAGACA[C>G]CAGGCATCTCAATGGAGAGGAGGACGCCGGCGGGAGGGAAGACTCGATCCTCGTCAACGG-3'
Protein context (NP_008823.1, residues 1-15): MKGD[Thr5Ser]RHLNGEEDAG

ClinVar aggregate classification (germline): Uncertain significance. Review status: criteria provided, multiple submitters, no conflicts (2 of 4 stars). 2 submissions from 2 submitters: Uncertain significance (2). Last evaluated 2024-08-27.

Conditions:
Inborn genetic diseases. Identifiers: MedGen C0950123, MeSH D030342.
Centromeric instability of chromosomes 1,9 and 16 and immunodeficiency (ICF1). Also called: CENTROMERIC INSTABILITY, IMMUNODEFICIENCY SYNDROME; IMMUNE DEFICIENCY, VARIABLE, WITH CENTROMERIC INSTABILITY OF CHROMOSOMES 1, 9, AND 16; IMMUNODEFICIENCY SYNDROME, VARIABLE; Immunodeficiency-centromeric instability-facial anomalies. Identifiers: Orphanet 2268, MedGen C0398788, MONDO:0000133.

Allele frequency attached by ClinVar (database versions not stated): ExAC 0.00001; gnomAD exomes 0.00001; gnomAD 0.00006; TOPMed 0.00006; ESP Exome Variant Server 0.00008.
gnomAD v4.1: 15 of 1,613,896 alleles (0.00093%); highest among the groups gnomAD compares: African/African-American, 0.017%; no homozygotes.

Submissions (2):

Ambry Genetics
Classification: Uncertain significance for Inborn genetic diseases. Last evaluated: 2024-08-27. Review status: criteria provided, single submitter. Criteria: Ambry Variant Classification Scheme 2023. Collection method: clinical testing. Allele origin: germline.

Labcorp Genetics (formerly Invitae), Labcorp
Classification: Uncertain significance for Centromeric instability of chromosomes 1,9 and 16 and immunodeficiency. Last evaluated: 2021-08-30. Review status: criteria provided, single submitter. Criteria: Invitae Variant Classification Sherloc (09022015). Collection method: clinical testing. Allele origin: germline.
Comment: This sequence change replaces threonine with serine at codon 5 of the DNMT3B protein (p.Thr5Ser). The threonine residue is weakly conserved and there is a small physicochemical difference between threonine and serine. This variant is present in population databases (rs201455430, ExAC 0.01%). This variant has not been reported in the literature in individuals affected with DNMT3B-related conditions. Algorithms developed to predict the effect of missense changes on protein structure and function output the following: SIFT: "Tolerated"; PolyPhen-2: "Benign"; Align-GVGD: "Class C0". The serine amino acid residue is found in multiple mammalian species, which suggests that this missense change does not adversely affect protein function. In summary, the available evidence is currently insufficient to determine the role of this variant in disease. Therefore, it has been classified as a Variant of Uncertain Significance.